The following is an entry in ClinVar:

ClinVar aggregate classification (germline): Likely benign. Review status: criteria provided, single submitter (1 of 4 stars). 2 submissions from 2 submitters: Likely benign (1). 1 of the submissions does not count toward it. Last evaluated 2025-12-08.

Conditions:
DCTN1-related disorder. Also called: DCTN1-related condition.
Amyotrophic lateral sclerosis type 1 (ALS1). Also called: AMYOTROPHIC LATERAL SCLEROSIS 1, FAMILIAL. Identifiers: Orphanet 803, MedGen C1862939, MONDO:0007103, OMIM 105400.
Neuronopathy, distal hereditary motor, type 7B. Also called: NEURONOPATHY, DISTAL HEREDITARY MOTOR, AUTOSOMAL DOMINANT 14; NEURONOPATHY, DISTAL HEREDITARY MOTOR, HARDING TYPE VIIB; NEUROPATHY, DISTAL HEREDITARY MOTOR, HARDING TYPE VIIB; NEUROPATHY, DISTAL HEREDITARY MOTOR, WITH VOCAL CORD PARALYSIS, HARDING TYPE VIIB; Distal Hereditary Motor Neuronopathy Type 7B (dHMN7B); HMN VIIB. Identifiers: Orphanet 139589, MedGen C1843315, MONDO:0011879, OMIM 607641.
Perry syndrome. Also called: PARKINSONISM WITH ALVEOLAR HYPOVENTILATION AND MENTAL DEPRESSION. Identifiers: Orphanet 178509, MedGen C1868594, MONDO:0008201, OMIM 168605.

Allele frequency attached by ClinVar (database versions not stated): gnomAD 0.00001; TOPMed 0.00001; gnomAD exomes 0.00002.
gnomAD v4.1: 29 of 1,614,106 alleles (0.0018%); highest among the groups gnomAD compares: Non-Finnish European, 0.0025%; no homozygotes.

Submissions (2):

Labcorp Genetics (formerly Invitae), Labcorp
Classification: Likely benign for Amyotrophic lateral sclerosis type 1; Neuronopathy, distal hereditary motor, type 7B; Perry syndrome. Last evaluated: 2025-12-08. Review status: criteria provided, single submitter. Criteria: Invitae Variant Classification Sherloc (09022015). Collection method: clinical testing. Allele origin: germline.

PreventionGenetics, part of Exact Sciences
Classification: Likely benign for DCTN1-related condition. Last evaluated: 2024-03-04. Review status: no assertion criteria provided. Collection method: clinical testing. Allele origin: germline. Not counted in ClinVar's aggregate classification.
Comment: This variant is classified as likely benign based on ACMG/AMP sequence variant interpretation guidelines (Richards et al. 2015 PMID: 25741868, with internal and published modifications).

NM_004082.5(DCTN1):c.2269C>T (p.Leu757=)

Gene: DCTN1 (dynactin subunit 1; minus strand). Cytogenetic location: 2p13.1.
Variant type: single nucleotide variant.
Coding change: c.2269C>T on transcript NM_004082.5 (MANE Select); coding-DNA position 2269, C replaced by T.
Protein change: p.Leu757=; no amino-acid change (leucine 757 retained).
Molecular consequence: synonymous variant. On other transcripts: non-coding transcript variant (1).
Genome position (GRCh38, 1-based): chr2:74,367,092, G>A on the plus strand (C>T on the coding strand, the complement: DCTN1 is on the minus strand). VCF-style: chr2-74367092-G-A. GRCh37 (hg19) VCF-style: chr2-74594219-G-A.
Other names: c.2209C>T, p.Leu737= (NM_001135040.3); c.1867C>T, p.Leu623= (NM_001135041.3, NM_023019.4); c.2158C>T, p.Leu720= (NM_001190836.2); c.2248C>T, p.Leu750= (NM_001190837.2); c.2218C>T, p.Leu740= (NM_001378991.1); c.2200C>T, p.Leu734= (NM_001378992.1).
Identifiers: ClinVar variation 742690 (VCV000742690.12), dbSNP rs778632270, ClinGen allele CA1721888.
Genomic context (GRCh38, chr2:74,367,092, plus strand): 5'-GATGTGTTCTCACCTGCAAGAAGGCACGCAGCCGTCCTACCTCCACACTCATGCAGTCCA[G>A]AGCACTCTGCGTGAACTGTGAGGATAGAAGCATGCAATCATCAGCCCCCAGCAGGAGCCC-3'
Protein context (NP_004073.2, residues 747-767): ADHIKFTQSA[Leu757=]DCMSVEVGRL